The following is an entry in ClinVar:

ClinVar aggregate classification (germline): Uncertain significance. Review status: criteria provided, multiple submitters, no conflicts (2 of 4 stars). 2 submissions from 2 submitters: Uncertain significance (2). Last evaluated 2022-07-15.

Conditions:
Neurodevelopmental disorder with or without hyperkinetic movements and seizures, autosomal dominant. Also called: Intellectual disability, autosomal dominant 8. Identifiers: MedGen C3280282, MONDO:0013655, OMIM 614254.

Allele frequency attached by ClinVar (database versions not stated): gnomAD exomes below 0.00001.
gnomAD v4.1: 2 of 1,605,916 alleles (0.00012%); highest among the groups gnomAD compares: African/African-American, 0.0013%; no homozygotes.

Submissions (2):

Labcorp Genetics (formerly Invitae), Labcorp
Classification: Uncertain significance for Neurodevelopmental disorder with or without hyperkinetic movements and seizures, autosomal dominant. Last evaluated: 2022-07-15. Review status: criteria provided, single submitter. Criteria: Invitae Variant Classification Sherloc (09022015). Collection method: clinical testing. Allele origin: germline.
Comment: This sequence change falls in intron 9 of the GRIN1 gene. It does not directly change the encoded amino acid sequence of the GRIN1 protein. This variant is not present in population databases (gnomAD no frequency). This variant has not been reported in the literature in individuals affected with GRIN1-related conditions. ClinVar contains an entry for this variant (Variation ID: 1031213). Algorithms developed to predict the effect of sequence changes on RNA splicing suggest that this variant may create or strengthen a splice site. In summary, the available evidence is currently insufficient to determine the role of this variant in disease. Therefore, it has been classified as a Variant of Uncertain Significance.

Baylor Genetics
Classification: Uncertain significance for Neurodevelopmental disorder with or without hyperkinetic movements and seizures, autosomal dominant. Last evaluated: 2019-11-25. Review status: criteria provided, single submitter. Criteria: ACMG Guidelines, 2015. Collection method: clinical testing. Allele origin: unknown. Affected: yes.
Comment: This variant was determined to be of uncertain significance according to ACMG Guidelines, 2015 [PMID:25741868].

NM_007327.4(GRIN1):c.1339+15C>T

Gene: GRIN1 (glutamate ionotropic receptor NMDA type subunit 1; plus strand). Cytogenetic location: 9q34.3.
Variant type: single nucleotide variant.
Coding change: c.1339+15C>T on transcript NM_007327.4 (MANE Select); 15 bases into the intron after coding-DNA position 1339, C replaced by T.
Molecular consequence: intron variant.
Genome position (GRCh38, 1-based): chr9:137,161,212, C>T. VCF-style: chr9-137161212-C-T. GRCh37 (hg19) VCF-style: chr9-140055664-C-T.
Other names: c.1402+15C>T (NM_001185090.2, NM_001185091.2); c.1339+15C>T (NM_021569.4, NM_000832.7).
Identifiers: ClinVar variation 1031213 (VCV001031213.6), dbSNP rs994140478, ClinGen allele CA201686310.